The following is an entry in ClinVar:

NM_003243.5(TGFBR3):c.1341C>T (p.Ser447=)

Gene: TGFBR3 (transforming growth factor beta receptor 3; minus strand). Cytogenetic location: 1p22.1.
Variant type: single nucleotide variant.
Coding change: c.1341C>T on transcript NM_003243.5 (MANE Select); coding-DNA position 1341, C replaced by T.
Protein change: p.Ser447=; no amino-acid change (serine 447 retained).
Molecular consequence: synonymous variant. On other transcripts: non-coding transcript variant (1).
Genome position (GRCh38, 1-based): chr1:91,719,965, G>A on the plus strand (C>T on the coding strand, the complement: TGFBR3 is on the minus strand). VCF-style: chr1-91719965-G-A. GRCh37 (hg19) VCF-style: chr1-92185522-G-A.
Other names: c.1338C>T, p.Ser446= (NM_001195683.2, NM_001195684.1).
Identifiers: ClinVar variation 3055456 (VCV003055456.2), dbSNP rs2229500, ClinGen allele CA947829.

ClinVar aggregate classification (germline): Benign (0 of 4 stars; one submission).

Conditions:
TGFBR3-related disorder. Also called: TGFBR3-related condition.

Allele frequency attached by ClinVar (database versions not stated): 1000 Genomes Project 0.00859; 1000 Genomes Project 30x 0.00874; ESP Exome Variant Server 0.01392.
gnomAD v4.1: 29,559 of 1,614,078 alleles (1.8%); highest among the groups gnomAD compares: Non-Finnish European, 2%; 310 homozygotes.

Submission:

PreventionGenetics, part of Exact Sciences
Classification: Benign for TGFBR3-related condition. Last evaluated: 2019-02-21. Review status: no assertion criteria provided. Collection method: clinical testing. Allele origin: germline.
Comment: This variant is classified as benign based on ACMG/AMP sequence variant interpretation guidelines (Richards et al. 2015 PMID: 25741868, with internal and published modifications).